The following is an entry in ClinVar:

NM_001374353.1(GLI2):c.2236G>A (p.Gly746Arg)

Gene: GLI2 (GLI family zinc finger 2; plus strand). Cytogenetic location: 2q14.2.
Variant type: single nucleotide variant.
Coding change: c.2236G>A on transcript NM_001374353.1 (MANE Select); coding-DNA position 2236, G replaced by A.
Protein change: p.Gly746Arg; replaces glycine 746 with arginine.
Molecular consequence: missense variant.
Genome position (GRCh38, 1-based): chr2:120,986,608, G>A. VCF-style: chr2-120986608-G-A. GRCh37 (hg19) VCF-style: chr2-121744184-G-A.
Other names: c.2287G>A, p.Gly763Arg (NM_001371271.1, NM_005270.5); c.1861G>A, p.Gly621Arg (NM_001374354.1); short protein forms G621R, G746R, G763R.
Identifiers: ClinVar variation 3363680 (VCV003363680.1).

ClinVar aggregate classification (germline): Uncertain significance (1 of 4 stars; one submission).

Submission:

GeneDx
Classification: Uncertain significance. Last evaluated: 2023-11-03. Review status: criteria provided, single submitter. Criteria: GeneDx Variant Classification Process June 2021. Collection method: clinical testing. Allele origin: germline. Affected: yes.
Comment: Not observed at significant frequency in large population cohorts (gnomAD); In silico analysis supports that this missense variant has a deleterious effect on protein structure/function; Has not been previously published as pathogenic or benign to our knowledge